The following is an entry in ClinVar:

NM_001330288.2(SMARCC2):c.475A>G (p.Ile159Val)

Gene: SMARCC2 (SWI/SNF related BAF chromatin remodeling complex subunit C2; minus strand). Cytogenetic location: 12q13.2.
Variant type: single nucleotide variant.
Coding change: c.475A>G on transcript NM_001330288.2 (MANE Select); coding-DNA position 475, A replaced by G.
Protein change: p.Ile159Val; replaces isoleucine 159 with valine.
Molecular consequence: missense variant.
Genome position (GRCh38, 1-based): chr12:56,184,861, T>C on the plus strand (A>G on the coding strand, the complement: SMARCC2 is on the minus strand). VCF-style: chr12-56184861-T-C. GRCh37 (hg19) VCF-style: chr12-56578645-T-C.
Other names: c.475A>G (NM_003075.3); c.475A>G, p.Ile159Val (NM_001130420.3, NM_003075.5, NM_139067.4); short protein forms I159V.
Identifiers: ClinVar variation 2754485 (VCV002754485.4), dbSNP rs368754543, ClinGen allele CA6626387.

ClinVar aggregate classification (germline): Uncertain significance. Review status: criteria provided, multiple submitters, no conflicts (2 of 4 stars). 2 submissions from 2 submitters: Uncertain significance (2). Last evaluated 2025-04-19.

Conditions:
Inborn genetic diseases. Identifiers: MedGen C0950123, MeSH D030342.

Allele frequency attached by ClinVar (database versions not stated): ExAC 0.00002; gnomAD exomes 0.00002; ESP Exome Variant Server 0.00008.
gnomAD v4.1: 33 of 1,607,506 alleles (0.0021%); highest among the groups gnomAD compares: Non-Finnish European, 0.0028%; no homozygotes.

Submissions (2):

Labcorp Genetics (formerly Invitae), Labcorp
Classification: Uncertain significance. Last evaluated: 2025-04-19. Review status: criteria provided, single submitter. Criteria: Invitae Variant Classification Sherloc (09022015). Collection method: clinical testing. Allele origin: germline.
Comment: This sequence change replaces isoleucine, which is neutral and non-polar, with valine, which is neutral and non-polar, at codon 159 of the SMARCC2 protein (p.Ile159Val). This variant is present in population databases (rs368754543, gnomAD 0.007%). This variant has not been reported in the literature in individuals affected with SMARCC2-related conditions. ClinVar contains an entry for this variant (Variation ID: 2754485). An algorithm developed to predict the effect of missense changes on protein structure and function (PolyPhen-2) suggests that this variant is likely to be tolerated. In summary, the available evidence is currently insufficient to determine the role of this variant in disease. Therefore, it has been classified as a Variant of Uncertain Significance.

Ambry Genetics
Classification: Uncertain significance for Inborn genetic diseases. Last evaluated: 2024-03-31. Review status: criteria provided, single submitter. Criteria: Ambry Variant Classification Scheme 2023. Collection method: clinical testing. Allele origin: germline.